The following is an entry in ClinVar:

NM_002221.4(ITPKB):c.739G>C (p.Glu247Gln)

Gene: ITPKB (inositol-trisphosphate 3-kinase B; minus strand). Cytogenetic location: 1q42.12.
Variant type: single nucleotide variant.
Coding change: c.739G>C on transcript NM_002221.4 (MANE Select); coding-DNA position 739, G replaced by C.
Protein change: p.Glu247Gln; replaces glutamic acid 247 with glutamine.
Molecular consequence: missense variant.
Genome position (GRCh38, 1-based): chr1:226,736,720, C>G on the plus strand (G>C on the coding strand, the complement: ITPKB is on the minus strand). VCF-style: chr1-226736720-C-G. GRCh37 (hg19) VCF-style: chr1-226924421-C-G.
Other names: c.739G>C, p.Glu247Gln (NM_001388404.1); short protein forms E247Q.
Identifiers: ClinVar variation 4987227 (VCV004987227.1).
Genomic context (GRCh38, chr1:226,736,720, plus strand): 5'-AGCGGGGACTGGCAGGGATACCCTTCTCCATCCTTACAAAAGCGGATGGACCCTGAGCCT[C>G]TGATCCTGTAGGGGCAGCCCGGCCGGGAAGAGGTGGCATTCCTTTCTTCACCTGCGAGGA-3'
Protein context (NP_002212.3, residues 237-257): LPGRAAPTGS[Glu247Gln]AQGPSAFVRM

ClinVar aggregate classification (germline): Uncertain significance (1 of 4 stars; one submission).

Conditions:
ITPKB-related disorder. Also called: ITPKB-related condition.

gnomAD v4.1: 100 of 1,612,828 alleles (0.0062%); highest among the groups gnomAD compares: Middle Eastern, 0.31%; no homozygotes.

Submission:

PreventionGenetics, part of Exact Sciences
Classification: Uncertain significance for ITPKB-related condition. Last evaluated: 2024-12-23. Review status: criteria provided, single submitter. Criteria: ACMG Guidelines, 2015. Collection method: clinical testing. Allele origin: germline.
Comment: The ITPKB c.739G>C variant is predicted to result in the amino acid substitution p.Glu247Gln. To our knowledge, this variant has not been reported in the literature. This variant is reported in 0.019% of alleles in individuals of Ashkenazi Jewish descent in gnomAD. At this time, the clinical significance of this variant is uncertain due to the absence of conclusive functional and genetic evidence.